The following is an entry in ClinVar:

NM_024580.6(EFL1):c.1836C>T (p.Phe612=)

Gene: EFL1 (elongation factor like GTPase 1; minus strand). Cytogenetic location: 15q25.2.
Variant type: single nucleotide variant.
Coding change: c.1836C>T on transcript NM_024580.6 (MANE Select); coding-DNA position 1836, C replaced by T.
Protein change: p.Phe612=; no amino-acid change (phenylalanine 612 retained).
Molecular consequence: synonymous variant. On other transcripts: non-coding transcript variant (1).
Genome position (GRCh38, 1-based): chr15:82,163,899, G>A on the plus strand (C>T on the coding strand, the complement: EFL1 is on the minus strand). VCF-style: chr15-82163899-G-A. GRCh37 (hg19) VCF-style: chr15-82456240-G-A.
Other names: c.1683C>T, p.Phe561= (NM_001040610.3); c.1047C>T, p.Phe349= (NM_001322844.2); c.1836C>T, p.Phe612= (NM_001322845.2); c.1836C>T (NM_024580.5).
Identifiers: ClinVar variation 1633633 (VCV001633633.11), dbSNP rs377357859, ClinGen allele CA7697871.

ClinVar aggregate classification (germline): Benign/Likely benign. Review status: criteria provided, multiple submitters, no conflicts (2 of 4 stars). 3 submissions from 3 submitters: Benign (1); Likely benign (1). 1 of the submissions does not count toward it. Last evaluated 2025-11-26.

Conditions:
EFL1-related disorder. Also called: EFL1-related condition.

Allele frequency attached by ClinVar (database versions not stated): gnomAD 0.00010 and 0.00015; ExAC 0.00020; gnomAD exomes 0.00022; 1000 Genomes Project 30x 0.00094; 1000 Genomes Project 0.00100.
gnomAD v4.1: 116 of 1,614,128 alleles (0.0072%); highest among the groups gnomAD compares: East Asian, 0.18%; no homozygotes.

Submissions (3):

Labcorp Genetics (formerly Invitae), Labcorp
Classification: Benign. Last evaluated: 2025-11-26. Review status: criteria provided, single submitter. Criteria: Invitae Variant Classification Sherloc (09022015). Collection method: clinical testing. Allele origin: germline.

Blueprint Genetics
Classification: Likely benign. Last evaluated: 2024-09-02. Review status: criteria provided, single submitter. Criteria: ACMG Guidelines, 2015. Collection method: clinical testing. Allele origin: germline.

PreventionGenetics, part of Exact Sciences
Classification: Likely benign for EFL1-related condition. Last evaluated: 2020-05-05. Review status: no assertion criteria provided. Collection method: clinical testing. Allele origin: germline. Not counted in ClinVar's aggregate classification.
Comment: This variant is classified as likely benign based on ACMG/AMP sequence variant interpretation guidelines (Richards et al. 2015 PMID: 25741868, with internal and published modifications).